The following is an entry in ClinVar:

NM_005909.5(MAP1B):c.1988del (p.Lys663fs)

Gene: MAP1B (microtubule associated protein 1B; plus strand). Cytogenetic location: 5q13.2.
Variant type: Deletion.
Coding change: c.1988del on transcript NM_005909.5 (MANE Select); coding-DNA position 1988, one base deleted (A; older notation c.1988delA).
Protein change: p.Lys663fs; shifts the reading frame from lysine 663.
Molecular consequence: frameshift variant.
Genome position (GRCh38, 1-based): chr5:72,195,343, A deleted; the last of 5 consecutive A bases (chr5:72,195,339-72,195,343); deleting any one gives the same sequence. VCF-style (leftmost placement, unchanged base first): chr5-72195338-TA-T. GRCh37 (hg19) VCF-style: chr5-71491165-TA-T.
Other names: c.1610del, p.Lys537fs (NM_001324255.2); short protein forms K663fs, K537fs.
Identifiers: ClinVar variation 2603792 (VCV002603792.2), dbSNP rs2478570422, ClinGen allele CA2582341579.

ClinVar aggregate classification (germline): Pathogenic (1 of 4 stars; one submission).

Conditions:
Inborn genetic diseases. Identifiers: MedGen C0950123, MeSH D030342.

Submission:

Ambry Genetics
Classification: Pathogenic for Inborn genetic diseases. Last evaluated: 2023-07-10. Review status: criteria provided, single submitter. Criteria: Ambry Variant Classification Scheme 2023. Collection method: clinical testing. Allele origin: germline.
Comment: The c.1988delA (p.K663Rfs*18) alteration, located in exon 5 (coding exon 5) of the MAP1B gene, consists of a deletion of one nucleotide at position 1988, causing a translational frameshift with a predicted alternate stop codon after 18 amino acids. This alteration is expected to result in loss of function by premature protein truncation or nonsense-mediated mRNA decay. This variant was not reported in population-based cohorts in the Genome Aggregation Database (gnomAD). Based on the available evidence, this alteration is classified as pathogenic.